The following is an entry in ClinVar:

ClinVar aggregate classification (germline): Uncertain significance. Review status: criteria provided, multiple submitters, no conflicts (2 of 4 stars). 2 submissions from 2 submitters: Uncertain significance (2). Last evaluated 2024-04-29.

Conditions:
Werner syndrome (WRN). Identifiers: Orphanet 902, MedGen C0043119, MONDO:0010196, OMIM 277700.

gnomAD v4.1: 10 of 1,612,944 alleles (0.00062%); highest among the groups gnomAD compares: Middle Eastern, 0.017%; no homozygotes.

Submissions (2):

Labcorp Genetics (formerly Invitae), Labcorp
Classification: Uncertain significance for Werner syndrome. Last evaluated: 2024-04-29. Review status: criteria provided, single submitter. Criteria: Invitae Variant Classification Sherloc (09022015). Collection method: clinical testing. Allele origin: germline.
Comment: This sequence change replaces leucine, which is neutral and non-polar, with isoleucine, which is neutral and non-polar, at codon 628 of the WRN protein (p.Leu628Ile). This variant is present in population databases (no rsID available, gnomAD 0.006%). This variant has not been reported in the literature in individuals affected with WRN-related conditions. ClinVar contains an entry for this variant (Variation ID: 404026). Algorithms developed to predict the effect of missense changes on protein structure and function output the following: SIFT: "Not Available"; PolyPhen-2: "Benign"; Align-GVGD: "Not Available". The isoleucine amino acid residue is found in multiple mammalian species, which suggests that this missense change does not adversely affect protein function. In summary, the available evidence is currently insufficient to determine the role of this variant in disease. Therefore, it has been classified as a Variant of Uncertain Significance.

Institute for Clinical Genetics, University Hospital TU Dresden, University Hospital TU Dresden
Classification: Uncertain significance. Last evaluated: 2021-11-03. Review status: criteria provided, single submitter. Criteria: ACMG Guidelines, 2015. Collection method: clinical testing. Allele origin: germline.

NM_000553.6(WRN):c.1882C>A (p.Leu628Ile)

Gene: WRN (WRN RecQ like helicase; plus strand). Cytogenetic location: 8p12.
Variant type: single nucleotide variant.
Coding change: c.1882C>A on transcript NM_000553.6 (MANE Select); coding-DNA position 1882, C replaced by A.
Protein change: p.Leu628Ile; replaces leucine 628 with isoleucine.
Molecular consequence: missense variant.
Genome position (GRCh38, 1-based): chr8:31,091,882, C>A. VCF-style: chr8-31091882-C-A. GRCh37 (hg19) VCF-style: chr8-30949398-C-A.
Other names: short protein forms L628I.
Identifiers: ClinVar variation 404026 (VCV000404026.9), dbSNP rs77969734, ClinGen allele CA16612316.